The following is an entry in ClinVar:

NM_014000.3(VCL):c.783+5G>A

Gene: VCL (vinculin; plus strand). Cytogenetic location: 10q22.2.
Variant type: single nucleotide variant.
Coding change: c.783+5G>A on transcript NM_014000.3 (MANE Select); 5 bases into the intron after coding-DNA position 783, G replaced by A.
Molecular consequence: intron variant.
Genome position (GRCh38, 1-based): chr10:74,074,908, G>A. VCF-style: chr10-74074908-G-A. GRCh37 (hg19) VCF-style: chr10-75834666-G-A.
Other names: c.783+5G>A (NM_003373.4).
Identifiers: ClinVar variation 567280 (VCV000567280.16), dbSNP rs767694507, ClinGen allele CA5562846.

ClinVar aggregate classification (germline): Conflicting classifications of pathogenicity. Review status: criteria provided, conflicting classifications (1 of 4 stars). 3 submissions from 3 submitters: Uncertain significance (2); Likely benign (1). Last evaluated 2026-01-12.

Conditions:
Dilated cardiomyopathy 1W (CMD1W). Identifiers: Orphanet 154, MedGen C1969639, MONDO:0012667, OMIM 611407.
Cardiovascular phenotype. Identifiers: MedGen CN230736.

Allele frequency attached by ClinVar (database versions not stated): TOPMed below 0.00001; ExAC 0.00001; gnomAD exomes 0.00001; gnomAD 0.00002.
gnomAD v4.1: 16 of 1,614,024 alleles (0.00099%); highest among the groups gnomAD compares: East Asian, 0.0045%; no homozygotes.

Submissions (4):

Ambry Genetics
Classification: Uncertain significance for Cardiovascular phenotype. Last evaluated: 2026-01-12. Review status: criteria provided, single submitter. Criteria: Ambry Variant Classification Scheme 2023. Collection method: clinical testing. Allele origin: germline.
Comment: The c.783+5G>A intronic variant results from a G to A substitution 5 nucleotides after coding exon 6 in the VCL gene. This nucleotide position is not well conserved in available vertebrate species. In silico splice site analysis predicts that this alteration will not have any significant effect on splicing. Based on the available evidence, the clinical significance of this variant remains unclear.

Labcorp Genetics (formerly Invitae), Labcorp
Classification: Uncertain significance for Dilated cardiomyopathy 1W. Last evaluated: 2025-07-28. Review status: criteria provided, single submitter. Criteria: Invitae Variant Classification Sherloc (09022015). Collection method: clinical testing. Allele origin: germline.
Comment: This sequence change falls in intron 6 of the VCL gene. It does not directly change the encoded amino acid sequence of the VCL protein. It affects a nucleotide within the consensus splice site. This variant is present in population databases (rs767694507, gnomAD 0.006%). This variant has not been reported in the literature in individuals affected with VCL-related conditions. ClinVar contains an entry for this variant (Variation ID: 567280). Variants that disrupt the consensus splice site are a relatively common cause of aberrant splicing (PMID: 17576681, 9536098). Algorithms developed to predict the effect of sequence changes on RNA splicing suggest that this variant is not likely to affect RNA splicing. In summary, the available evidence is currently insufficient to determine the role of this variant in disease. Therefore, it has been classified as a Variant of Uncertain Significance.

GeneDx
Classification: Likely benign. Last evaluated: 2020-04-21. Review status: criteria provided, single submitter. Criteria: GeneDx Variant Classification Process June 2021. Collection method: clinical testing. Allele origin: germline. Affected: yes.

Dr. Peter K. Rogan Lab, Western University
No classification provided (evidence only). Condition: Gastric cancer. Review status: no classification provided. Collection method: in vitro. Allele origin: not applicable. Functional consequence: retained intron. Not counted in ClinVar's aggregate classification.

Literature cited by the submitters: PubMed 17576681 (cited by Labcorp Genetics (formerly Invitae), Labcorp); PubMed 9536098 (cited by Labcorp Genetics (formerly Invitae), Labcorp).